The following is an entry in ClinVar:

ClinVar aggregate classification (germline): Pathogenic/Likely pathogenic. Review status: criteria provided, multiple submitters, no conflicts (2 of 4 stars). 7 submissions from 7 submitters: Pathogenic (5); Likely pathogenic (1). 1 of the submissions does not count toward it. Last evaluated 2026-08-26.

Conditions:
MKKS-related disorder. Also called: MKKS-related condition; MKKS-related disorders.
Bardet-Biedl syndrome 6 (BBS6). Identifiers: Orphanet 110, MedGen C1858054, MONDO:0011523, OMIM 605231.
Autosomal recessive MKKS-related disorders.
McKusick-Kaufman syndrome (MKKS). Also called: HYDROMETROCOLPOS SYNDROME; HYDROMETROCOLPOS, POSTAXIAL POLYDACTYLY, AND CONGENITAL HEART MALFORMATION. Identifiers: Orphanet 2473, MedGen C0948368, MONDO:0009367, OMIM 236700.

Submissions (7):

PreventionGenetics, part of Exact Sciences
Classification: Pathogenic for MKKS-related condition. Last evaluated: 2026-08-26. Review status: criteria provided, single submitter. Criteria: ACMG Guidelines, 2015. Collection method: clinical testing. Allele origin: germline.
Comment: The MKKS c.429_434delinsTT variant is predicted to result in a frameshift and premature protein termination (p.Phe144Leufs*14). This variant has been reported in the homozygous state or compound heterozygous state with a second MKKS variant in multiple individuals and families with autosomal recessive Bardet-Biedl syndrome 6 (BBS6; described as "1316delC and 1324-1326delGTA" in Slavotinek et al. 2000. PubMed ID: 10973238; as "429ΔCT/433ΔAG" in Katsanis et al. 2000. PubMed ID: 10973251; and as "c.429delCT433delAG" in Hichri H et al. 2005. PubMed ID: 15770229). This variant has not been reported in a large population database, indicating this variant is rare. Of note, a similar deletion (c.432_435del) leading to the same p.Phe144Leufs*14 frameshift has also been reported in the homozygous state in an individual with a BBS phenotype (Holanda et al. 2024. PubMed ID: 38674450). Frameshift variants in MKKS are expected to be pathogenic. Taken together, the c.429_434delinsTT variant is interpreted as pathogenic.

OLLIN Analises Genomicas, OLLIN
Classification: Pathogenic for Bardet-Biedl syndrome 6. Last evaluated: 2026-08-06. Review status: criteria provided, single submitter. Criteria: ACMG Guidelines 2015 PMID 25741868. Collection method: clinical testing. Allele origin: germline. Inheritance: Autosomal recessive inheritance.
Comment: This frameshift variant, located in exon 3 (of 6), is absent from gnomAD and has not been identified in the literature. However, it has been reported in ClinVar (accession VCV001683700.8). This variant causes a frameshift and introduces a premature stop codon, which is predicted to result in either a truncated protein or degradation of the mRNA via nonsense-mediated decay (NMD). According to the currently available evidence, this variant has been classified as pathogenic (PVS1, PM2_P, PM3_S, PP1).

Variantyx, Inc.
Classification: Pathogenic for Autosomal recessive MKKS-related disorders. Last evaluated: 2026-01-06. Review status: criteria provided, single submitter. Criteria: Variantyx Assertion Criteria 2022. Collection method: clinical testing. Allele origin: germline. Inheritance: Autosomal recessive inheritance.
Comment: This is a frameshift variant in the MKKS gene (OMIM: 604896). Pathogenic variants in this gene have been associated with autosomal recessive MKKS-related disorders. This variant introduces a premature termination codon in exon 3 out of 6 and is expected to result in loss of function, which is a known disease mechanism for MKKS in this disorder (PMID: 10973251) (PVS1). It has been identified in the homozygous or compound heterozygous state in at least four individuals reported in the published literature (PMID: 10973251) (PM3) and it has been observed to segregate with disease in at least two individuals from two families (PMID: 10973251) (PP1). This variant has a 0.0009% maximum allele frequency in non-founder control populations (PM2). Based on the current evidence, this variant is classified as pathogenic for autosomal recessive MKKS-related disorders.

Fulgent Genetics
Classification: Pathogenic for McKusick-Kaufman syndrome; Bardet-Biedl syndrome 6. Last evaluated: 2024-04-12. Review status: criteria provided, single submitter. Criteria: ACMG Guidelines, 2015. Collection method: clinical testing. Allele origin: germline.

Daryl Scott Lab, Baylor College of Medicine
Classification: Pathogenic for McKusick-Kaufman syndrome. Last evaluated: 2023-04-11. Review status: criteria provided, single submitter. Criteria: ACMG Guidelines, 2015. Collection method: clinical testing. Allele origin: paternal. Affected: yes.

Laboratorio de Genetica e Diagnostico Molecular, Hospital Israelita Albert Einstein
Classification: Likely pathogenic for Bardet-Biedl syndrome 6. Last evaluated: 2021-08-17. Review status: criteria provided, single submitter. Criteria: ACMG Guidelines, 2015. Collection method: clinical testing. Allele origin: germline. Affected: yes.
Comment: ACMG classification criteria: PVS1 very strong, PM2 moderate

OMIM
Classification: Pathogenic for BARDET-BIEDL SYNDROME 6. Last evaluated: 2000-09-01. Review status: no assertion criteria provided. Collection method: literature only. Allele origin: germline. Not counted in ClinVar's aggregate classification.

Literature cited by the submitters: PubMed 10973251 (cited by Variantyx, Inc. and OMIM); PubMed 37673932 (cited by Daryl Scott Lab, Baylor College of Medicine); PubMed 10973238 (cited by OMIM).

NM_170784.3(MKKS):c.429_434delinsTT (p.Phe144fs)

Gene: MKKS (MKKS centrosomal shuttling protein; minus strand). Cytogenetic location: 20p12.2.
Variant type: Indel.
Coding change: c.429_434delinsTT on transcript NM_170784.3 (MANE Select); coding-DNA positions 429 to 434, CTTTAG replaced by TT.
Protein change: p.Phe144fs; shifts the reading frame from phenylalanine 144.
Molecular consequence: frameshift variant.
Genome position (GRCh38, 1-based): chr20:10,413,081-10,413,086, CTAAAG replaced by AA on the plus strand (CTTTAG replaced by TT on the coding strand, the reverse complement: MKKS is on the minus strand). VCF-style: chr20-10413081-CTAAAG-AA. GRCh37 (hg19) VCF-style: chr20-10393729-CTAAAG-AA.
Other names: c.429_434delinsTT, p.Phe144fs (NM_018848.3); short protein forms F144fs.
Identifiers: ClinVar variation 1683700 (VCV001683700.9), dbSNP rs2122235362, ClinGen allele CA2573156832.